The following is an entry in ClinVar:

ClinVar aggregate classification (germline): Benign. Review status: criteria provided, multiple submitters, no conflicts (2 of 4 stars). 2 submissions from 2 submitters: Benign (2). Last evaluated 2018-06-14.

Allele frequency attached by ClinVar (database versions not stated): 1000 Genomes Project 30x 0.67099; 1000 Genomes Project 0.67312; gnomAD 0.67611 and 0.67733; TOPMed 0.68243.
gnomAD v4.1: 102,946 of 151,990 alleles (68%); highest among the groups gnomAD compares: Admixed American, 73%; 34,935 homozygotes.

Submissions (2):

GeneDx
Classification: Benign. Last evaluated: 2018-06-14. Review status: criteria provided, single submitter. Criteria: GeneDx Variant Classification (06012015). Collection method: clinical testing. Allele origin: germline. Affected: yes.
Comment: This variant is considered likely benign or benign based on one or more of the following criteria: it is a conservative change, it occurs at a poorly conserved position in the protein, it is predicted to be benign by multiple in silico algorithms, and/or has population frequency not consistent with disease.

Breakthrough Genomics
Classification: Benign. Review status: criteria provided, single submitter. Criteria: ACMG Guidelines, 2015. Collection method: not provided. Allele origin: germline. Inheritance: Autosomal recessive inheritance. Affected: yes.

NM_001377.3(DYNC2H1):c.12156+151G>A

Gene: DYNC2H1 (dynein cytoplasmic 2 heavy chain 1; plus strand). Cytogenetic location: 11q22.3.
Variant type: single nucleotide variant.
Coding change: c.12156+151G>A on transcript NM_001377.3 (MANE Select); 151 bases into the intron after coding-DNA position 12156, G replaced by A.
Molecular consequence: intron variant.
Genome position (GRCh38, 1-based): chr11:103,358,510, G>A. VCF-style: chr11-103358510-G-A. GRCh37 (hg19) VCF-style: chr11-103229238-G-A.
Other names: c.12177+151G>A (NM_001080463.2).
Identifiers: ClinVar variation 667790 (VCV000667790.2), dbSNP rs2512129, ClinGen allele CA15689199.
Genomic context (GRCh38, chr11:103,358,510, plus strand): 5'-TCACATTGCAGAGGTTCCTAACTGTGAAGTCATGGCCCATGACCTCCTTTCTTCATACCA[G>A]TGCACATCAAAGTTAGTATTTTTTACTCTCTCTTTTATGAAATAGATCTTTCCTTATCTT-3'